The following is an entry in ClinVar:

NM_001854.4(COL11A1):c.3950C>G (p.Pro1317Arg)

Gene: COL11A1 (collagen type XI alpha 1 chain; minus strand). Cytogenetic location: 1p21.1.
Variant type: single nucleotide variant.
Coding change: c.3950C>G on transcript NM_001854.4 (MANE Select); coding-DNA position 3950, C replaced by G.
Protein change: p.Pro1317Arg; replaces proline 1317 with arginine.
Molecular consequence: missense variant. On other transcripts: non-coding transcript variant (1).
Genome position (GRCh38, 1-based): chr1:102,914,380, G>C on the plus strand (C>G on the coding strand, the complement: COL11A1 is on the minus strand). VCF-style: chr1-102914380-G-C. GRCh37 (hg19) VCF-style: chr1-103379936-G-C.
Other names: c.3833C>G, p.Pro1278Arg (NM_001190709.2); c.3986C>G, p.Pro1329Arg (NM_080629.3); c.3602C>G, p.Pro1201Arg (NM_080630.4); short protein forms P1201R, P1278R, P1317R, P1329R.
Identifiers: ClinVar variation 1326588 (VCV001326588.2), dbSNP rs147993467, ClinGen allele CA27676606.

ClinVar aggregate classification (germline): Uncertain significance (1 of 4 stars; one submission).

Allele frequency attached by ClinVar (database versions not stated): gnomAD exomes below 0.00001; TOPMed 0.00001; ESP Exome Variant Server 0.00008.
gnomAD v4.1: 5 of 1,608,700 alleles (0.00031%); highest among the groups gnomAD compares: Non-Finnish European, 0.00042%; no homozygotes.

Submission:

GeneDx
Classification: Uncertain significance. Last evaluated: 2021-05-25. Review status: criteria provided, single submitter. Criteria: GeneDx Variant Classification Process June 2021. Collection method: clinical testing. Allele origin: germline. Affected: yes.
Comment: Has not been previously published as pathogenic or benign to our knowledge; Not observed at significant frequency in large population cohorts (Lek et al., 2016); In silico analysis supports that this missense variant has a deleterious effect on protein structure/function